The following is an entry in ClinVar:

ClinVar aggregate classification (germline): Benign. Review status: criteria provided, multiple submitters, no conflicts (2 of 4 stars). 2 submissions from 2 submitters: Benign (2). Last evaluated 2018-01-13.

Conditions:
Generalized pustular psoriasis. Identifiers: Orphanet 247353, MedGen C0343055, MONDO:0100491.

Allele frequency attached by ClinVar (database versions not stated): 1000 Genomes Project 0.16214; gnomAD 0.16534 and 0.17177; 1000 Genomes Project 30x 0.16943; TOPMed 0.18405; gnomAD exomes 0.25000.

Submissions (2):

Illumina Laboratory Services, Illumina
Classification: Benign for Acrodermatitis continua suppurativa of Hallopeau. Last evaluated: 2018-01-13. Review status: criteria provided, single submitter. Criteria: ICSL Variant Classification Criteria 13 December 2019. Collection method: clinical testing. Allele origin: germline.
Comment: This variant was observed in the ICSL laboratory as part of a predisposition screen in an ostensibly healthy population. It had not been previously curated by ICSL or reported in the Human Gene Mutation Database (HGMD: prior to June 1st, 2018), and was therefore a candidate for classification through an automated scoring system. Utilizing variant allele frequency, disease prevalence and penetrance estimates, and inheritance mode, an automated score was calculated to assess if this variant is too frequent to cause the disease. Based on the score and internal cut-off values, a variant classified as benign is not then subjected to further curation. The score for this variant resulted in a classification of benign for this disease.

Breakthrough Genomics
Classification: Benign. Review status: criteria provided, single submitter. Criteria: ACMG Guidelines, 2015. Collection method: not provided. Allele origin: germline. Inheritance: Autosomal recessive inheritance. Affected: yes.

NM_012275.3(IL36RN):c.*1914C>T

Gene: IL36RN (interleukin 36 receptor antagonist; plus strand). Cytogenetic location: 2q14.1.
Variant type: single nucleotide variant.
Coding change: c.*1914C>T on transcript NM_012275.3 (MANE Select); 1914 bases downstream of the stop codon, C replaced by T.
Molecular consequence: 3 prime UTR variant.
Genome position (GRCh38, 1-based): chr2:113,064,591, C>T. VCF-style: chr2-113064591-C-T. GRCh37 (hg19) VCF-style: chr2-113822168-C-T.
Other names: c.*1914C>T (NM_173170.1).
Identifiers: ClinVar variation 330813 (VCV000330813.6), dbSNP rs2515406, ClinGen allele CA10611948.